The following is an entry in ClinVar:

NM_014009.4(FOXP3):c.166G>A (p.Ala56Thr)

Gene: FOXP3 (forkhead box P3; minus strand). Cytogenetic location: Xp11.23.
Variant type: single nucleotide variant.
Coding change: c.166G>A on transcript NM_014009.4 (MANE Select); coding-DNA position 166, G replaced by A.
Protein change: p.Ala56Thr; replaces alanine 56 with threonine.
Molecular consequence: missense variant.
Genome position (GRCh38, 1-based): chrX:49,258,340, C>T on the plus strand (G>A on the coding strand, the complement: FOXP3 is on the minus strand). VCF-style: chrX-49258340-C-T. GRCh37 (hg19) VCF-style: chrX-49114797-C-T.
Other names: c.166G>A, p.Ala56Thr (NM_001114377.2); short protein forms A56T.
Identifiers: ClinVar variation 3009934 (VCV003009934.3), dbSNP rs2519196732, ClinGen allele CA412953923.

ClinVar aggregate classification (germline): Uncertain significance (1 of 4 stars; one submission).

Conditions:
Insulin-dependent diabetes mellitus secretory diarrhea syndrome (IPEX). Also called: Immune dysregulation-polyendocrinopathy-enteropathy-X-linked syndrome; DIABETES MELLITUS, CONGENITAL INSULIN-DEPENDENT, WITH FATAL SECRETORY DIARRHEA; DIARRHEA, POLYENDOCRINOPATHY, FATAL INFECTION SYNDROME, X-LINKED; ENTEROPATHY, AUTOIMMUNE, WITH HEMOLYTIC ANEMIA AND POLYENDOCRINOPATHY; Immunodeficiency, Polyendocrinopathy, and Enteropathy X-Linked Syndrome; X-Linked Syndrome of Polyendocrinopathy, Immune Dysfunction, and Diarrhea. Identifiers: Orphanet 37042, MedGen C0342288, MONDO:0010580, OMIM 304790. Disease mechanism: loss of function.

Submission:

Labcorp Genetics (formerly Invitae), Labcorp
Classification: Uncertain significance for Insulin-dependent diabetes mellitus secretory diarrhea syndrome. Last evaluated: 2023-02-28. Review status: criteria provided, single submitter. Criteria: Invitae Variant Classification Sherloc (09022015). Collection method: clinical testing. Allele origin: germline.
Comment: In summary, the available evidence is currently insufficient to determine the role of this variant in disease. Therefore, it has been classified as a Variant of Uncertain Significance. Advanced modeling of protein sequence and biophysical properties (such as structural, functional, and spatial information, amino acid conservation, physicochemical variation, residue mobility, and thermodynamic stability) performed at Invitae indicates that this missense variant is not expected to disrupt FOXP3 protein function. This variant has not been reported in the literature in individuals affected with FOXP3-related conditions. This variant is not present in population databases (gnomAD no frequency). This sequence change replaces alanine, which is neutral and non-polar, with threonine, which is neutral and polar, at codon 56 of the FOXP3 protein (p.Ala56Thr).